The following is an entry in ClinVar:

ClinVar aggregate classification (germline): Uncertain significance (1 of 4 stars; one submission).

Allele frequency attached by ClinVar (database versions not stated): gnomAD exomes below 0.00001; ExAC 0.00001.
gnomAD v4.1: 6 of 1,613,068 alleles (0.00037%); highest among the groups gnomAD compares: African/African-American, 0.0013%; no homozygotes.

Submission:

GeneDx
Classification: Uncertain significance. Last evaluated: 2022-09-08. Review status: criteria provided, single submitter. Criteria: GeneDx Variant Classification Process June 2021. Collection method: clinical testing. Allele origin: germline. Affected: yes.
Comment: Not observed at significant frequency in large population cohorts (gnomAD); Missense variant in a gene in which most reported pathogenic variants are truncating/loss-of-function; Has not been previously published as pathogenic or benign to our knowledge; This variant is associated with the following publications: (PMID: 23975875)

NM_001267550.2(TTN):c.68507T>C (p.Val22836Ala)

Genes: TTN (titin; minus strand), TTN-AS1 (TTN antisense RNA 1; plus strand). Cytogenetic location: 2q31.2.
Variant type: single nucleotide variant.
Coding change: c.68507T>C on transcript NM_001267550.2 (MANE Select); coding-DNA position 68507, T replaced by C.
Protein change: p.Val22836Ala; replaces valine 22836 with alanine.
Molecular consequence: missense variant.
Genome position (GRCh38, 1-based): chr2:178,578,008, A>G on the plus strand (T>C on the coding strand, the complement: TTN is on the minus strand). VCF-style: chr2-178578008-A-G. GRCh37 (hg19) VCF-style: chr2-179442735-A-G.
Other names: c.63584T>C, p.Val21195Ala (NM_001256850.1); c.41312T>C, p.Val13771Ala (NM_003319.4); c.60803T>C, p.Val20268Ala (NM_133378.4); c.41687T>C, p.Val13896Ala (NM_133432.3); c.41888T>C, p.Val13963Ala (NM_133437.4); short protein forms V13771A, V13896A, V13963A, V20268A, V21195A, V22836A.
Identifiers: ClinVar variation 1707138 (VCV001707138.2), dbSNP rs777547127, ClinGen allele CA1991093.
Genomic context (GRCh38, chr2:178,578,008, plus strand): 5'-TAAAACATGCACCTGGGTTTTTCTTCATATAATGACTTACCAATTGGGTCCAGTGCCACA[A>G]CAGGCTCTGATGGTAGGCTTGGCTTGCCCACACCTGCTAAATTGATTGCCATAACTCGGA-3'
Protein context (NP_001254479.2, residues 22826-22846): VGKPSLPSEP[Val22836Ala]VALDPIDPPG